The following is an entry in ClinVar:

NR_003051.3(RMRP):n.2_3ins15

Gene: RMRP (RNA component of mitochondrial RNA processing endoribonuclease; minus strand). Cytogenetic location: 9p13.3.
Variant type: Insertion.
Genome position: GRCh38 VCF-style: chr9-35658016-A-ACCACGTTCTCAGCTT. GRCh37 (hg19) VCF-style: chr9-35658013-A-ACCACGTTCTCAGCTT.
Identifiers: ClinVar variation 552543 (VCV000552543.5), dbSNP rs1554651364, ClinGen allele CA915947438.

ClinVar aggregate classification (germline): Uncertain significance. Review status: criteria provided, single submitter (1 of 4 stars). 2 submissions from 2 submitters: Uncertain significance (1). 1 of the submissions does not count toward it. Last evaluated 2024-02-24.

Conditions:
Anauxetic dysplasia. Identifiers: Orphanet 93347, MedGen C1846796, MONDO:0011773.
Metaphyseal chondrodysplasia, McKusick type (CHH). Also called: Cartilage-hair hypoplasia; Cartilage-Hair Hypoplasia (CHH). Identifiers: Orphanet 175, MedGen C0220748, MONDO:0009595, OMIM 250250.

Submissions (2):

Labcorp Genetics (formerly Invitae), Labcorp
Classification: Uncertain significance for Anauxetic dysplasia. Last evaluated: 2024-02-24. Review status: criteria provided, single submitter. Criteria: Invitae Variant Classification Sherloc (09022015). Collection method: clinical testing. Allele origin: germline.
Comment: This variant occurs in the RMRP gene, which encodes an RNA molecule that does not result in a protein product. This variant is not present in population databases (gnomAD no frequency). This variant has not been reported in the literature in individuals affected with RMRP-related conditions. ClinVar contains an entry for this variant (Variation ID: 552543). Experimental studies and prediction algorithms are not available or were not evaluated, and the functional significance of this variant is currently unknown. In summary, the available evidence is currently insufficient to determine the role of this variant in disease. Therefore, it has been classified as a Variant of Uncertain Significance.

Counsyl
Classification: Likely pathogenic for Metaphyseal chondrodysplasia, McKusick type. Last evaluated: 2017-06-21. Review status: no assertion criteria provided. Collection method: clinical testing. Allele origin: unknown. Not counted in ClinVar's aggregate classification.

Literature cited by the submitters: PubMed 11207361 (cited by Counsyl); PubMed 17937437 (cited by Counsyl); PubMed 16254002 (cited by Counsyl); PubMed 14608646 (cited by Counsyl).